The following is an entry in ClinVar:

ClinVar aggregate classification (germline): Likely pathogenic (1 of 4 stars; one submission).

Conditions:
Autosomal recessive Alport syndrome (ATS2). Also called: COL4A4 Alport Syndrome and Thin Basement Membrane Nephropathy; ALPORT SYNDROME 2, AUTOSOMAL RECESSIVE; Alport syndrome type 2; COL4A3-Related Nephropathy. Identifiers: Orphanet 63, Orphanet 88919, MedGen C4746745, MONDO:0008762, OMIM 203780.

Submission:

MVZ Medizinische Genetik Mainz
Classification: Likely pathogenic for Autosomal recessive Alport syndrome. Last evaluated: 2023-07-26. Review status: criteria provided, single submitter. Criteria: UK Practice Guidelines For Variant Classification V4 01 2020. Collection method: clinical testing. Allele origin: germline. Inheritance: Autosomal dominant inheritance. Affected: yes. Observed: 1 variant allele.
Comment: ACMG Criteria: PM1_STR,PM2_SUP,PP3,PP4

NM_000092.5(COL4A4):c.3836G>T (p.Gly1279Val)

Gene: COL4A4 (collagen type IV alpha 4 chain; minus strand). Cytogenetic location: 2q36.3.
Variant type: single nucleotide variant.
Coding change: c.3836G>T on transcript NM_000092.5 (MANE Select); coding-DNA position 3836, G replaced by T.
Protein change: p.Gly1279Val; replaces glycine 1279 with valine.
Molecular consequence: missense variant.
Genome position (GRCh38, 1-based): chr2:227,030,580, C>A on the plus strand (G>T on the coding strand, the complement: COL4A4 is on the minus strand). VCF-style: chr2-227030580-C-A. GRCh37 (hg19) VCF-style: chr2-227895296-C-A.
Other names: short protein forms G1279V.
Identifiers: ClinVar variation 3236080 (VCV003236080.1), dbSNP rs1968071233, ClinGen allele CA350837443.